The following is an entry in ClinVar:

NM_000051.4(ATM):c.5627A>G (p.His1876Arg)

Gene: ATM (ATM serine/threonine kinase; plus strand). Cytogenetic location: 11q22.3.
Variant type: single nucleotide variant.
Coding change: c.5627A>G on transcript NM_000051.4 (MANE Select); coding-DNA position 5627, A replaced by G.
Protein change: p.His1876Arg; replaces histidine 1876 with arginine.
Molecular consequence: missense variant.
Genome position (GRCh38, 1-based): chr11:108,304,805, A>G. VCF-style: chr11-108304805-A-G. GRCh37 (hg19) VCF-style: chr11-108175532-A-G.
Other names: c.5627A>G, p.His1876Arg (NM_001351834.2); short protein forms H1876R.
Identifiers: ClinVar variation 1387376 (VCV001387376.9), dbSNP rs967371351, ClinGen allele CA228389912.

ClinVar aggregate classification (germline): Conflicting classifications of pathogenicity. Review status: criteria provided, conflicting classifications (1 of 4 stars). 2 submissions from 2 submitters: Uncertain significance (1); Likely benign (1). Last evaluated 2025-11-21.

Conditions:
Ataxia-telangiectasia syndrome (AT). Also called: Ataxia-telangiectasia, complementation group D; Ataxia telangiectasia (A-T); Cerebello-oculocutaneous telangiectasia; Immunodeficiency with ataxia telangiectasia; ATAXIA-TELANGIECTASIA, COMPLEMENTATION GROUP A; ATAXIA-TELANGIECTASIA, FRESNO VARIANT. Identifiers: Orphanet 100, MedGen C0004135, MONDO:0008840, OMIM 208900.
Hereditary cancer-predisposing syndrome. Also called: Hereditary neoplastic syndrome; Neoplastic Syndromes, Hereditary; Hereditary Cancer Syndrome; Tumor predisposition. Identifiers: Orphanet 140162, MedGen C0027672, MeSH D009386, MONDO:0015356.

Allele frequency attached by ClinVar (database versions not stated): gnomAD exomes below 0.00001; gnomAD 0.00001; TOPMed 0.00001.
gnomAD v4.1: 2 of 1,613,436 alleles (0.00012%); highest among the groups gnomAD compares: South Asian, 0.0011%; no homozygotes.

Submissions (2):

Ambry Genetics
Classification: Likely benign for Hereditary cancer-predisposing syndrome. Last evaluated: 2025-11-21. Review status: criteria provided, single submitter. Criteria: Ambry Variant Classification Scheme 2023. Collection method: clinical testing. Allele origin: germline.

Labcorp Genetics (formerly Invitae), Labcorp
Classification: Uncertain significance for Ataxia-telangiectasia syndrome. Last evaluated: 2024-09-12. Review status: criteria provided, single submitter. Criteria: Invitae Variant Classification Sherloc (09022015). Collection method: clinical testing. Allele origin: germline.
Comment: This sequence change replaces histidine, which is basic and polar, with arginine, which is basic and polar, at codon 1876 of the ATM protein (p.His1876Arg). This variant is present in population databases (no rsID available, gnomAD 0.0009%). This missense change has been observed in individual(s) with breast cancer (PMID: 34196900). ClinVar contains an entry for this variant (Variation ID: 1387376). An algorithm developed to predict the effect of missense changes on protein structure and function (PolyPhen-2) suggests that this variant is likely to be tolerated. In summary, the available evidence is currently insufficient to determine the role of this variant in disease. Therefore, it has been classified as a Variant of Uncertain Significance.

Literature cited by the submitters: PubMed 40580951 (cited by Ambry Genetics); PubMed 34196900 (cited by Labcorp Genetics (formerly Invitae), Labcorp).